The following is an entry in ClinVar:

ClinVar aggregate classification (germline): Likely pathogenic (1 of 4 stars; one submission).

Conditions:
Autosomal recessive limb-girdle muscular dystrophy type R18 (LGMDR18). Also called: Limb-girdle muscular dystrophy, type 2S; MUSCULAR DYSTROPHY, LIMB-GIRDLE, AUTOSOMAL RECESSIVE 18; Autosomal recessive limb-girdle muscular dystrophy type 2S. Identifiers: Orphanet 369840, MedGen C4517996, MONDO:0014144, OMIM 615356.

Submission:

Labcorp Genetics (formerly Invitae), Labcorp
Classification: Likely pathogenic for Autosomal recessive limb-girdle muscular dystrophy type R18. Last evaluated: 2024-05-22. Review status: criteria provided, single submitter. Criteria: Invitae Variant Classification Sherloc (09022015). Collection method: clinical testing. Allele origin: germline.
Comment: This sequence change affects an acceptor splice site in intron 26 of the TRAPPC11 gene. It is expected to disrupt RNA splicing. Variants that disrupt the donor or acceptor splice site typically lead to a loss of protein function (PMID: 16199547), and loss-of-function variants in TRAPPC11 are known to be pathogenic (PMID: 23830518, 26322222). This variant is not present in population databases (gnomAD no frequency). This variant has not been reported in the literature in individuals affected with TRAPPC11-related conditions. Algorithms developed to predict the effect of sequence changes on RNA splicing suggest that this variant may disrupt the consensus splice site. In summary, the currently available evidence indicates that the variant is pathogenic, but additional data are needed to prove that conclusively. Therefore, this variant has been classified as Likely Pathogenic.

Literature cited by the submitters: PubMed 16199547; PubMed 23830518; PubMed 26322222.

NM_021942.6(TRAPPC11):c.2964-2A>G

Gene: TRAPPC11 (trafficking protein particle complex subunit 11; plus strand). Cytogenetic location: 4q35.1.
Variant type: single nucleotide variant.
Coding change: c.2964-2A>G on transcript NM_021942.6 (MANE Select); the canonical splice acceptor site of the intron before coding-DNA position 2964, A replaced by G.
Molecular consequence: splice acceptor variant.
Genome position (GRCh38, 1-based): chr4:183,704,977, A>G. VCF-style: chr4-183704977-A-G. GRCh37 (hg19) VCF-style: chr4-184626130-A-G.
Other names: c.2964-2A>G (NM_199053.3).
Identifiers: ClinVar variation 3679598 (VCV003679598.2).